The following is an entry in ClinVar:

NM_002890.3(RASA1):c.611A>G (p.Tyr204Cys)

Genes: CCNH (cyclin H; minus strand), RASA1 (RAS p21 protein activator 1; plus strand). Cytogenetic location: 5q14.3.
Variant type: single nucleotide variant.
Coding change: c.611A>G on transcript NM_002890.3 (MANE Select); coding-DNA position 611, A replaced by G.
Protein change: p.Tyr204Cys; replaces tyrosine 204 with cysteine.
Molecular consequence: missense variant. On other transcripts: intron variant (1).
Genome position (GRCh38, 1-based): chr5:87,331,419, A>G. VCF-style: chr5-87331419-A-G. GRCh37 (hg19) VCF-style: chr5-86627236-A-G.
Other names: c.80A>G, p.Tyr27Cys (NM_022650.3); c.934-18624T>C (NM_001364075.2); short protein forms Y204C, Y27C.
Identifiers: ClinVar variation 3942986 (VCV003942986.1).
Genomic context (GRCh38, chr5:87,331,419, plus strand): 5'-GAAAACTTGACAGAACGATAGCAGAAGAACGCCTCAGGCAGGCAGGGAAGTCTGGCAGTT[A>G]TCTTATAAGAGAGAGTGATCGGAGGCCAGGGTCCTTTGTACTTTCATTTCTTAGCCAGAT-3'
Protein context (NP_002881.1, residues 194-214): RLRQAGKSGS[Tyr204Cys]LIRESDRRPG

ClinVar aggregate classification (germline): Uncertain significance (1 of 4 stars; one submission).

Conditions:
Cardiovascular phenotype. Identifiers: MedGen CN230736.

gnomAD v4.1: 2 of 1,613,840 alleles (0.00012%); highest among the groups gnomAD compares: Non-Finnish European, 0.00017%; no homozygotes.

Submission:

Ambry Genetics
Classification: Uncertain significance for Cardiovascular phenotype. Last evaluated: 2025-05-26. Review status: criteria provided, single submitter. Criteria: Ambry Variant Classification Scheme 2023. Collection method: clinical testing. Allele origin: germline.
Comment: The p.Y204C variant (also known as c.611A>G), located in coding exon 2 of the RASA1 gene, results from an A to G substitution at nucleotide position 611. The tyrosine at codon 204 is replaced by cysteine, an amino acid with highly dissimilar properties. This amino acid position is conserved. In addition, this alteration is predicted to be deleterious by in silico analysis. Based on the available evidence, the clinical significance of this variant remains unclear.